The following is an entry in ClinVar:

ClinVar aggregate classification (germline): Uncertain significance. Review status: criteria provided, multiple submitters, no conflicts (2 of 4 stars). 2 submissions from 2 submitters: Uncertain significance (2). Last evaluated 2021-09-01.

Conditions:
Combined immunodeficiency due to DOCK8 deficiency (HIES2). Also called: HIES autosomal recessive; HYPER-IgE RECURRENT INFECTION SYNDROME 2, AUTOSOMAL RECESSIVE; HYPER-IgE SYNDROME 2, AUTOSOMAL RECESSIVE, WITH RECURRENT INFECTIONS; DOCK8 Deficiency; Hyper-IgE recurrent infection syndrome, autosomal recessive. Identifiers: Orphanet 217390, MedGen C4722305, MONDO:0009478, OMIM 243700.

Submissions (2):

Labcorp Genetics (formerly Invitae), Labcorp
Classification: Uncertain significance for Combined immunodeficiency due to DOCK8 deficiency. Last evaluated: 2021-09-01. Review status: criteria provided, single submitter. Criteria: Invitae Variant Classification Sherloc (09022015). Collection method: clinical testing. Allele origin: germline.

GeneDx
Classification: Uncertain significance. Last evaluated: 2016-11-27. Review status: criteria provided, single submitter. Criteria: GeneDx Variant Classification (06012015). Collection method: clinical testing. Allele origin: germline. Affected: yes.
Comment: The c.227_228delGCinsTT variant in the DOCK8 gene has not been reported previously as a pathogenic variant nor as a benign variant, to our knowledge. The c.227_228delGCinsTT variant results in the replacement of the normal Glycine at position 76 with a Valine, denoted p.Gly76Val. The c.227_228delGCinsTT variant was not observed in approximately 6,500 individuals of European and African American ancestry in the NHLBI Exome Sequencing Project, indicating it is not a common benign variant in these populations. The c.227_228delGCinsTT variant is a conservative amino acid substitution, which is not likely to impact secondary protein structure as these residues share similar properties. This substitution occurs at a position that is not conserved. In silico analysis predicts this variant is probably damaging to the protein structure/function.We interpret c.227_228delGCinsTT as a variant of uncertain significance.

NM_203447.4(DOCK8):c.431_432delinsTT (p.Gly144Val)

Gene: DOCK8 (dedicator of cytokinesis 8; plus strand). Cytogenetic location: 9p24.3.
Variant type: Indel.
Coding change: c.431_432delinsTT on transcript NM_203447.4 (MANE Select); coding-DNA positions 431 to 432, GC replaced by TT.
Protein change: p.Gly144Val; replaces glycine 144 with valine.
Molecular consequence: missense variant.
Genome position (GRCh38, 1-based): chr9:304,607-304,608, GC replaced by TT. VCF-style: chr9-304607-GC-TT. GRCh37 (hg19) VCF-style: chr9-304607-GC-TT.
Other names: c.227_228delGCinsTT (NM_001193536.1); c.227_228delinsTT, p.Gly76Val (NM_001190458.2, NM_001193536.2); short protein forms G144V, G76V.
Identifiers: ClinVar variation 373689 (VCV000373689.6), dbSNP rs1057518550, ClinGen allele CA16042690.
Genomic context (GRCh38, chr9:304,607, plus strand): 5'-TTTCTCTCTCCAAATTAAATATCAACCATAAAAGAAACCAAGGAAGTCCAGAAATCTGTG[GC>TT]TTTAAAAAGACTGGATCTCGAAAAGATTTTCACAAGACGCTTCCGAAACAGACGTTTGAG-3'
Protein context (NP_982272.2, residues 134-154): RKNQGSPEIC[Gly144Val]FKKTGSRKDF